The following is an entry in ClinVar:

ClinVar aggregate classification (germline): Uncertain significance (1 of 4 stars; one submission).

Conditions:
Atypical hemolytic-uremic syndrome with MCP/CD46 anomaly. Also called: HEMOLYTIC UREMIC SYNDROME, ATYPICAL, SUSCEPTIBILITY TO, 2; AHUS, SUSCEPTIBILITY TO, 2. Identifiers: Orphanet 2134, MedGen C2752040, MONDO:0013040, OMIM 612922.

Allele frequency attached by ClinVar (database versions not stated): gnomAD exomes below 0.00001; gnomAD 0.00001.
gnomAD v4.1: 2 of 1,613,538 alleles (0.00012%); highest among the groups gnomAD compares: Non-Finnish European, 0.00017%; no homozygotes.

Submission:

Illumina Laboratory Services, Illumina
Classification: Uncertain significance for Atypical hemolytic-uremic syndrome with MCP/CD46 anomaly. Last evaluated: 2017-04-28. Review status: criteria provided, single submitter. Criteria: ICSL Variant Classification Criteria 13 December 2019. Collection method: clinical testing. Allele origin: germline.
Comment: This variant was observed as part of a predisposition screen in an ostensibly healthy population. A literature search was performed for the gene, cDNA change, and amino acid change (where applicable). Publications were found based on this search. However, the evidence from the literature, in combination with allele frequency data from public databases where available, was not sufficient to rule this variant in or out of causing disease. Therefore, this variant is classified as a variant of unknown significance.

Literature cited by the submitters: PubMed 26054645; PubMed 16882452; PubMed 16762990; PubMed 25381125; PubMed 17089378; PubMed 24247905; PubMed 23431077; PubMed 24161037.

NM_172351.3(CD46):c.586G>C (p.Gly196Arg)

Gene: CD46 (CD46 molecule; plus strand). Cytogenetic location: 1q32.2.
Variant type: single nucleotide variant.
Coding change: c.586G>C on transcript NM_172351.3 (MANE Select); coding-DNA position 586, G replaced by C.
Protein change: p.Gly196Arg; replaces glycine 196 with arginine.
Molecular consequence: missense variant.
Genome position (GRCh38, 1-based): chr1:207,761,359, G>C. VCF-style: chr1-207761359-G-C. GRCh37 (hg19) VCF-style: chr1-207934704-G-C.
Other names: c.586G>C, p.Gly196Arg (NM_002389.4, NM_153826.4, NM_172350.3 and 8 more transcripts); short protein forms G196R.
Identifiers: ClinVar variation 876704 (VCV000876704.4), dbSNP rs1656188708, ClinGen allele CA344549015.